The following is an entry in ClinVar:

ClinVar aggregate classification (germline): Uncertain significance. Review status: criteria provided, multiple submitters, no conflicts (2 of 4 stars). 2 submissions from 2 submitters: Uncertain significance (2). Last evaluated 2023-03-02.

Conditions:
Alstrom syndrome (ALMS). Identifiers: Orphanet 64, MedGen C0268425, MONDO:0008763, OMIM 203800.

Allele frequency attached by ClinVar (database versions not stated): gnomAD 0.00001; ExAC 0.00003; TOPMed 0.00003.
gnomAD v4.1: 9 of 1,613,976 alleles (0.00056%); highest among the groups gnomAD compares: Admixed American, 0.013%; no homozygotes.

Submissions (2):

GeneDx
Classification: Uncertain significance. Last evaluated: 2023-03-02. Review status: criteria provided, single submitter. Criteria: GeneDx Variant Classification Process June 2021. Collection method: clinical testing. Allele origin: germline. Affected: yes.
Comment: In silico analysis supports that this missense variant does not alter protein structure/function; Has not been previously published as pathogenic or benign to our knowledge

Labcorp Genetics (formerly Invitae), Labcorp
Classification: Uncertain significance for Alstrom syndrome. Last evaluated: 2022-08-07. Review status: criteria provided, single submitter. Criteria: Invitae Variant Classification Sherloc (09022015). Collection method: clinical testing. Allele origin: germline.
Comment: This sequence change replaces proline, which is neutral and non-polar, with threonine, which is neutral and polar, at codon 1649 of the ALMS1 protein (p.Pro1649Thr). This variant is present in population databases (rs754804407, gnomAD 0.02%). This variant has not been reported in the literature in individuals affected with ALMS1-related conditions. ClinVar contains an entry for this variant (Variation ID: 1326524). Experimental studies and prediction algorithms are not available or were not evaluated, and the functional significance of this variant is currently unknown. In summary, the available evidence is currently insufficient to determine the role of this variant in disease. Therefore, it has been classified as a Variant of Uncertain Significance.

NM_001378454.1(ALMS1):c.4942C>A (p.Pro1648Thr)

Gene: ALMS1 (ALMS1 centrosome and basal body associated protein; plus strand). Cytogenetic location: 2p13.1.
Variant type: single nucleotide variant.
Coding change: c.4942C>A on transcript NM_001378454.1 (MANE Select); coding-DNA position 4942, C replaced by A.
Protein change: p.Pro1648Thr; replaces proline 1648 with threonine.
Molecular consequence: missense variant.
Genome position (GRCh38, 1-based): chr2:73,451,469, C>A. VCF-style: chr2-73451469-C-A. GRCh37 (hg19) VCF-style: chr2-73678596-C-A.
Other names: c.4945C>A, p.Pro1649Thr (NM_015120.4); short protein forms P1648T, P1649T.
Identifiers: ClinVar variation 1326524 (VCV001326524.8), dbSNP rs754804407, ClinGen allele CA1713795.
Genomic context (GRCh38, chr2:73,451,469, plus strand): 5'-TACCGGCAGGCTCTGCTAGACAGTCCTCTAAATAAAGAGGTTGTGAAAGTTTCAGCTGCT[C>A]CTGGACCAGCTGACCAGAAGACTGAGACATTACCAGTACATTCTACTAGCTACTCAAATA-3'
Protein context (NP_001365383.1, residues 1638-1658): NKEVVKVSAA[Pro1648Thr]GPADQKTETL